The following is an entry in ClinVar:

ClinVar aggregate classification (germline): Uncertain significance. Review status: criteria provided, multiple submitters, no conflicts (2 of 4 stars). 2 submissions from 2 submitters: Uncertain significance (2). Last evaluated 2026-06-10.

Conditions:
Inborn genetic diseases. Identifiers: MedGen C0950123, MeSH D030342.

gnomAD v4.1: 38 of 1,613,656 alleles (0.0024%); highest among the groups gnomAD compares: African/African-American, 0.044%; no homozygotes.

Submissions (2):

Women's Health and Genetics/Laboratory Corporation of America, LabCorp
Classification: Uncertain significance. Last evaluated: 2026-06-10. Review status: criteria provided, single submitter. Criteria: LabCorp Variant Classification Summary - May 2015. Collection method: clinical testing. Allele origin: germline.
Comment: Variant summary: NCAPD2 c.128C>G (p.Ala43Gly) results in a non-conservative amino acid change in the encoded protein sequence. Algorithms developed to predict the effect of missense changes on protein structure and function are either unavailable or do not agree on the potential impact of this missense change. Consensus agreement among computation tools predict no significant impact on normal splicing. However, these predictions have yet to be confirmed by functional studies. The variant allele was found at a frequency of 2e-05 in 251310 control chromosomes. The available data on variant occurrences in the general population are insufficient to allow any conclusion about variant significance. To our knowledge, no occurrence of c.128C>G in individuals affected with NCAPD2-related conditions and no experimental evidence demonstrating its impact on protein function have been reported. ClinVar contains an entry for this variant (Variation ID: 3877981). Based on the evidence outlined above, the variant was classified as uncertain significance.

Ambry Genetics
Classification: Uncertain significance for Inborn genetic diseases. Last evaluated: 2025-03-06. Review status: criteria provided, single submitter. Criteria: Ambry Variant Classification Scheme 2023. Collection method: clinical testing. Allele origin: germline.

NM_014865.4(NCAPD2):c.128C>G (p.Ala43Gly)

Gene: NCAPD2 (non-SMC condensin I complex subunit D2; plus strand). Cytogenetic location: 12p13.31.
Variant type: single nucleotide variant.
Coding change: c.128C>G on transcript NM_014865.4 (MANE Select); coding-DNA position 128, C replaced by G.
Protein change: p.Ala43Gly; replaces alanine 43 with glycine.
Molecular consequence: missense variant.
Genome position (GRCh38, 1-based): chr12:6,509,717, C>G. VCF-style: chr12-6509717-C-G. GRCh37 (hg19) VCF-style: chr12-6618883-C-G.
Other names: short protein forms A43G.
Identifiers: ClinVar variation 3877981 (VCV003877981.2).